The following is an entry in ClinVar:

NM_203446.3(SYNJ1):c.3037+11_3037+12insGGAAGGTTTGTTTCTTTTTTTTTTTTTTTTTTTTTTNNNNNNNNNNACTCGGGATCCTCCCGCCTCTGCCTCCCAATGAGCTGGGATTACAGGCGAGAGCCACGTCGCCCGGCC

Gene: SYNJ1 (synaptojanin 1; minus strand). Cytogenetic location: 21q22.11.
Variant type: Insertion.
Coding change: c.3037+11_3037+12insGGAAGGTTTGTTTCTTTTTTTTTTTTTTTTTTTTTTNNNNNNNNNNACTCGGGATCCTCCCGCCTCTGCCTCCCAATGAGCTGGGATTACAGGCGAGAGCCACGTCGCCCGGCC on transcript NM_203446.3 (MANE Select); bases 11 to 12 of the intron after coding-DNA position 3037, GGAAGGTTTGTTTCTTTTTTTTTTTTTTTTTTTTTTNNNNNNNNNNACTCGGGATCCTCCCGCCTCTGCCTCCCAATGAGCTGGGATTACAGGCGAGAGCCACGTCGCCCGGCC inserted.
Molecular consequence: splice donor variant.
Genome position: GRCh38: chr21:32,650,188-32,650,189. GRCh37 (hg19): chr21:34,022,498-34,022,499.
Other names: c.3154+11_3154+12insGGAAGGTTTGTTTCTTTTTTTTTTTTTTTTTTTTTTNNNNNNNNNNACTCGGGATCCTCCCGCCTCTGCCTCCCAATGAGCTGGGATTACAGGCGAGAGCCACGTCGCCCGGCC (NM_003895.4); c.3037+11_3037+12insGGAAGGTTTGTTTCTTTTTTTTTTTTTTTTTTTTTTNNNNNNNNNNACTCGGGATCCTCCCGCCTCTGCCTCCCAATGAGCTGGGATTACAGGCGAGAGCCACGTCGCCCGGCC (NM_001160302.2); c.3022+11_3022+12insGGAAGGTTTGTTTCTTTTTTTTTTTTTTTTTTTTTTNNNNNNNNNNACTCGGGATCCTCCCGCCTCTGCCTCCCAATGAGCTGGGATTACAGGCGAGAGCCACGTCGCCCGGCC (NM_001160306.2).
Identifiers: ClinVar variation 1475797 (VCV001475797.8), dbSNP rs2145808853.

ClinVar aggregate classification (germline): Uncertain significance (1 of 4 stars; one submission).

Conditions:
Developmental and epileptic encephalopathy, 53. Also called: Epileptic encephalopathy, early infantile, 53. Identifiers: MedGen C4479313, MONDO:0033362, OMIM 617389.
Early-onset Parkinson disease 20. Also called: PARKINSON DISEASE 20, AUTOSOMAL RECESSIVE EARLY-ONSET. Identifiers: Orphanet 391411, MedGen C3809824, MONDO:0014233, OMIM 615530.

Submission:

Labcorp Genetics (formerly Invitae), Labcorp
Classification: Uncertain significance for Developmental and epileptic encephalopathy, 53; Early-onset Parkinson disease 20. Last evaluated: 2022-02-08. Review status: criteria provided, single submitter. Criteria: Invitae Variant Classification Sherloc (09022015). Collection method: clinical testing. Allele origin: germline.
Comment: This sequence change falls in intron 23 of the SYNJ1 gene. It does not directly change the encoded amino acid sequence of the SYNJ1 protein. In summary, the available evidence is currently insufficient to determine the role of this variant in disease. Therefore, it has been classified as a Variant of Uncertain Significance. Algorithms developed to predict the effect of sequence changes on RNA splicing suggest that this variant may create or strengthen a splice site. This variant has not been reported in the literature in individuals affected with SYNJ1-related conditions. This variant is not present in population databases (gnomAD no frequency).